The following is an entry in ClinVar:

ClinVar aggregate classification (germline): Uncertain significance (1 of 4 stars; one submission).

Conditions:
Familial hemophagocytic lymphohistiocytosis 3 (FHL3). Also called: UNC13D-Related Familial Hemophagocytic Lymphohistiocytosis (UNC13D-fHLH). Identifiers: Orphanet 540, MedGen C1837174, MONDO:0012146, OMIM 608898.

Submission:

Labcorp Genetics (formerly Invitae), Labcorp
Classification: Uncertain significance for Familial hemophagocytic lymphohistiocytosis 3. Last evaluated: 2021-06-13. Review status: criteria provided, single submitter. Criteria: Invitae Variant Classification Sherloc (09022015). Collection method: clinical testing. Allele origin: germline.
Comment: In summary, the available evidence is currently insufficient to determine the role of this variant in disease. Therefore, it has been classified as a Variant of Uncertain Significance. Nucleotide substitutions within the consensus splice site are a relatively common cause of aberrant splicing (PMID: 17576681, 9536098). Algorithms developed to predict the effect of sequence changes on RNA splicing suggest that this variant may disrupt the consensus splice site, but this prediction has not been confirmed by published transcriptional studies. This variant has not been reported in the literature in individuals with UNC13D-related conditions. This variant is not present in population databases (ExAC no frequency). This sequence change falls in intron 29 of the UNC13D gene. It does not directly change the encoded amino acid sequence of the UNC13D protein. It affects a nucleotide within the consensus splice site of the intron.

Literature cited by the submitters: PubMed 17576681; PubMed 9536098.

NM_199242.3(UNC13D):c.2830+6T>C

Genes: UNC13D (unc-13 homolog D; minus strand), LOC112533672 (Sharpr-MPRA regulatory region 1193; plus strand). Cytogenetic location: 17q25.1.
Variant type: single nucleotide variant.
Coding change: c.2830+6T>C on transcript NM_199242.3 (MANE Select); 6 bases into the intron after coding-DNA position 2830, T replaced by C.
Molecular consequence: intron variant.
Genome position (GRCh38, 1-based): chr17:75,830,356, A>G on the plus strand (T>C on the coding strand, the complement: UNC13D is on the minus strand). VCF-style: chr17-75830356-A-G. GRCh37 (hg19) VCF-style: chr17-73826437-A-G.
Identifiers: ClinVar variation 1360757 (VCV001360757.6), dbSNP rs1347480374, ClinGen allele CA775100173.